The following is an entry in ClinVar:

NM_000535.7(PMS2):c.1982A>C (p.Glu661Ala)

Gene: PMS2 (PMS1 homolog 2, mismatch repair system component; minus strand). Cytogenetic location: 7p22.1.
Variant type: single nucleotide variant.
Coding change: c.1982A>C on transcript NM_000535.7 (MANE Select); coding-DNA position 1982, A replaced by C.
Protein change: p.Glu661Ala; replaces glutamic acid 661 with alanine.
Molecular consequence: missense variant. On other transcripts: non-coding transcript variant (1).
Genome position (GRCh38, 1-based): chr7:5,986,783, T>G on the plus strand (A>C on the coding strand, the complement: PMS2 is on the minus strand). VCF-style: chr7-5986783-T-G. GRCh37 (hg19) VCF-style: chr7-6026414-T-G.
Other names: c.1577A>C, p.Glu526Ala (NM_001018040.1, NM_001322003.2, NM_001322004.2 and 17 more transcripts); c.1826A>C, p.Glu609Ala (NM_001322006.2, NM_001406870.1); c.1664A>C, p.Glu555Ala (NM_001322007.2, NM_001322008.2, NM_001406876.1 and 2 more transcripts); c.1421A>C, p.Glu474Ala (NM_001322010.2, NM_001406906.1, NM_001406907.1); c.1049A>C, p.Glu350Ala (NM_001322011.2, NM_001322012.2); c.1409A>C, p.Glu470Ala (NM_001322013.2, NM_001406909.1); c.1982A>C, p.Glu661Ala (NM_001322014.2, NM_001406871.1, NM_001406872.1); c.1673A>C, p.Glu558Ala (NM_001322015.2, NM_001406875.1, NM_001406877.1 and 5 more transcripts); and 12 more; short protein forms E404A, E470A, E490A, E503A, E605A, E669A, E723A, E350A.
Identifiers: ClinVar variation 1783828 (VCV001783828.2), dbSNP rs2128720206, ClinGen allele CA366738968.

ClinVar aggregate classification (germline): Uncertain significance (1 of 4 stars; one submission).

Conditions:
Hereditary cancer-predisposing syndrome. Also called: Neoplastic Syndromes, Hereditary; Tumor predisposition; Hereditary Cancer Syndrome; Hereditary neoplastic syndrome. Identifiers: Orphanet 140162, MedGen C0027672, MeSH D009386, MONDO:0015356.

Submission:

Ambry Genetics
Classification: Uncertain significance for Hereditary cancer-predisposing syndrome. Last evaluated: 2020-12-16. Review status: criteria provided, single submitter. Criteria: Ambry Variant Classification Scheme 2023. Collection method: clinical testing. Allele origin: germline.
Comment: The p.E661A variant (also known as c.1982A>C), located in coding exon 11 of the PMS2 gene, results from an A to C substitution at nucleotide position 1982. The glutamic acid at codon 661 is replaced by alanine, an amino acid with dissimilar properties. This amino acid position is highly conserved in available vertebrate species. In addition, the in silico prediction for this alteration is inconclusive. Since supporting evidence is limited at this time, the clinical significance of this alteration remains unclear.